The following is an entry in ClinVar:

NM_024426.6(WT1):c.694A>G (p.Ser232Gly)

Gene: WT1 (WT1 transcription factor; minus strand). Cytogenetic location: 11p13.
Variant type: single nucleotide variant.
Coding change: c.694A>G on transcript NM_024426.6 (MANE Select); coding-DNA position 694, A replaced by G.
Protein change: p.Ser232Gly; replaces serine 232 with glycine.
Molecular consequence: missense variant. On other transcripts: 5 prime UTR variant (1), non-coding transcript variant (2), intron variant (2).
Genome position (GRCh38, 1-based): chr11:32,428,587, T>C on the plus strand (A>G on the coding strand, the complement: WT1 is on the minus strand). VCF-style: chr11-32428587-T-C. GRCh37 (hg19) VCF-style: chr11-32450133-T-C.
Other names: c.694A>G, p.Ser232Gly (NM_000378.6, NM_001407044.1, NM_001407045.1 and 4 more transcripts); c.43A>G, p.Ser15Gly (NM_001198551.2, NM_001198552.2); c.-69A>G (NM_001407051.1); c.679A>G, p.Ser227Gly (NM_024425.2); c.662-529A>G (NM_001407050.1, NM_001407047.1); short protein forms S227G, S232G, S15G.
Identifiers: ClinVar variation 2938135 (VCV002938135.3), dbSNP rs1312479779, ClinGen allele CA379963525.

ClinVar aggregate classification (germline): Uncertain significance (1 of 4 stars; one submission).

Conditions:
Frasier syndrome. Identifiers: Orphanet 347, MedGen C0950122, MeSH D052159, MONDO:0007635, OMIM 136680.
Drash syndrome (DDS). Also called: NEPHROPATHY, WILMS TUMOR, AND GENITAL ANOMALIES; WILMS TUMOR AND PSEUDO- OR TRUE HERMAPHRODITISM. Identifiers: Orphanet 220, MedGen C0950121, MONDO:0008682, OMIM 194080.
Wilms tumor 1 (WT1). Also called: Wilms tumor, somatic. Identifiers: Orphanet 654, MedGen CN033288, MONDO:0008679, OMIM 194070.
11p partial monosomy syndrome (WAGR). Also called: CHROMOSOME 11p13 DELETION SYNDROME; WAGR syndrome; WAGR Complex; WAGR Spectrum Disorder. Identifiers: Orphanet 893, MedGen C0206115, MONDO:0008681, OMIM 194072.

gnomAD v4.1: 1 of 1,613,850 alleles (0.000062%); highest among the groups gnomAD compares: South Asian, 0.0011%; no homozygotes.

Submission:

Labcorp Genetics (formerly Invitae), Labcorp
Classification: Uncertain significance for Wilms tumor 1; Drash syndrome; 11p partial monosomy syndrome; Frasier syndrome. Last evaluated: 2023-06-11. Review status: criteria provided, single submitter. Criteria: Invitae Variant Classification Sherloc (09022015). Collection method: clinical testing. Allele origin: germline.
Comment: This variant is present in population databases (no rsID available, gnomAD 0.003%). This sequence change replaces serine, which is neutral and polar, with glycine, which is neutral and non-polar, at codon 227 of the WT1 protein (p.Ser227Gly). This variant has not been reported in the literature in individuals affected with WT1-related conditions. Algorithms developed to predict the effect of missense changes on protein structure and function output the following: SIFT: "Not Available"; PolyPhen-2: "Benign"; Align-GVGD: "Not Available". The glycine amino acid residue is found in multiple mammalian species, which suggests that this missense change does not adversely affect protein function. In summary, the available evidence is currently insufficient to determine the role of this variant in disease. Therefore, it has been classified as a Variant of Uncertain Significance.